The following is an entry in ClinVar:

ClinVar aggregate classification (germline): Uncertain significance. Review status: criteria provided, multiple submitters, no conflicts (2 of 4 stars). 2 submissions from 2 submitters: Uncertain significance (2). Last evaluated 2025-11-17.

Conditions:
Fanconi anemia (FA). Also called: Fanconi's anemia. Identifiers: Orphanet 84, MedGen C0015625, MeSH D005199, MONDO:0019391.

Allele frequency attached by ClinVar (database versions not stated): gnomAD 0.00004 and 0.00003; gnomAD exomes 0.00005 and 0.00001; 1000 Genomes Project 0.00020; ExAC 0.00004; TOPMed 0.00008; 1000 Genomes Project 30x 0.00016.

Submissions (2):

Labcorp Genetics (formerly Invitae), Labcorp
Classification: Uncertain significance for Fanconi anemia. Last evaluated: 2025-11-17. Review status: criteria provided, single submitter. Criteria: Invitae Variant Classification Sherloc (09022015). Collection method: clinical testing. Allele origin: germline.
Comment: This sequence change replaces serine, which is neutral and polar, with leucine, which is neutral and non-polar, at codon 1493 of the SLX4 protein (p.Ser1493Leu). This variant is present in population databases (rs565491187, gnomAD 0.009%). This variant has not been reported in the literature in individuals affected with SLX4-related conditions. ClinVar contains an entry for this variant (Variation ID: 407924). An algorithm developed to predict the effect of missense changes on protein structure and function outputs the following: PolyPhen-2: "Benign". The leucine amino acid residue is found in multiple mammalian species, which suggests that this missense change does not adversely affect protein function. In summary, the available evidence is currently insufficient to determine the role of this variant in disease. Therefore, it has been classified as a Variant of Uncertain Significance.

Dasa
Classification: Uncertain significance. Last evaluated: 2025-06-26. Review status: criteria provided, single submitter. Criteria: DASA Assertion Criteria. Collection method: clinical testing. Allele origin: germline.
Comment: NM_032444.4(SLX4):c.4478C>T (p.Ser1493Leu) is a missense variant that results in the substitution of serine with leucine. This variant is rare in population databases. Computational prediction algorithms are consistent with a benign effect. The currently available literature and clinical evidence are not sufficient to establish a definitive association between this variant and the reported condition. Therefore, this variant is classified as a variant of uncertain significance.

NM_032444.4(SLX4):c.4478C>T (p.Ser1493Leu)

Gene: SLX4 (SLX4 structure-specific endonuclease subunit; minus strand). Cytogenetic location: 16p13.3.
Variant type: single nucleotide variant.
Coding change: c.4478C>T on transcript NM_032444.4 (MANE Select); coding-DNA position 4478, C replaced by T.
Protein change: p.Ser1493Leu; replaces serine 1493 with leucine.
Molecular consequence: missense variant.
Genome position (GRCh38, 1-based): chr16:3,589,160, G>A on the plus strand (C>T on the coding strand, the complement: SLX4 is on the minus strand). VCF-style: chr16-3589160-G-A. GRCh37 (hg19) VCF-style: chr16-3639161-G-A.
Other names: c.4478C>T (LRG_503t1); short protein forms S1493L.
Identifiers: ClinVar variation 407924 (VCV000407924.13), dbSNP rs565491187, ClinGen allele CA7865630.